The following is an entry in ClinVar:

ClinVar aggregate classification (germline): Uncertain significance (0 of 4 stars; one submission).

Submission:

Department of Pathology and Laboratory Medicine, Sinai Health System
Classification: Uncertain significance. Review status: no assertion criteria provided. Collection method: clinical testing. Allele origin: unknown. Affected: yes. Study: The Canadian Open Genetics Repository (COGR).
Comment: The NPHP3 p.Val352Val variant was not identified in the literature nor was it identified in dbSNP, ClinVar, Cosmic, and LOVD 3.0 databases. The variant was not identified in the following control databases: the 1000 Genomes Project, the NHLBI GO Exome Sequencing Project, the Exome Aggregation Consortium (August 8th 2016), or the Genome Aggregation Database (Feb 27, 2017). The p.Val352Val variant is not expected to have clinical significance because it does not result in a change of amino acid and is not located in a known consensus splice site. The variant occurs outside of the splicing consensus sequence and 3 of 4 in silico or computational prediction software programs (SpliceSiteFinder, MaxEntScan, and NNSPLICE) predict a greater than 10% difference in splicing (loss of a 5â€šÃ„Ã´ splice site at c.1054 and creation of a 3â€šÃ„Ã´ splice site at c.1058). However, this information is not predictive enough to assume pathogenicity. In summary, based on the above information the clinical significance of this variant cannot be determined with certainty at this time. This variant is classified as a variant of uncertain significance.

NM_153240.5(NPHP3):c.1056A>T (p.Val352=)

Genes: NPHP3 (nephrocystin 3; minus strand), NPHP3-ACAD11 (NPHP3-ACAD11 readthrough (NMD candidate); minus strand). Cytogenetic location: 3q22.1.
Variant type: single nucleotide variant.
Coding change: c.1056A>T on transcript NM_153240.5 (MANE Select); coding-DNA position 1056, A replaced by T.
Protein change: p.Val352=; no amino-acid change (valine 352 retained).
Molecular consequence: synonymous variant. On other transcripts: non-coding transcript variant (1).
Genome position (GRCh38, 1-based): chr3:132,713,188, T>A on the plus strand (A>T on the coding strand, the complement: NPHP3 is on the minus strand). VCF-style: chr3-132713188-T-A. GRCh37 (hg19) VCF-style: chr3-132432032-T-A.
Identifiers: ClinVar variation 1050341 (VCV001050341.1), dbSNP rs2107996320, ClinGen allele CA435800671.